The following is an entry in ClinVar:

NM_172351.3(CD46):c.950C>G (p.Pro317Arg)

Gene: CD46 (CD46 molecule; plus strand). Cytogenetic location: 1q32.2.
Variant type: single nucleotide variant.
Coding change: c.950C>G on transcript NM_172351.3 (MANE Select); coding-DNA position 950, C replaced by G.
Protein change: p.Pro317Arg; replaces proline 317 with arginine.
Molecular consequence: missense variant.
Genome position (GRCh38, 1-based): chr1:207,783,298, C>G. VCF-style: chr1-207783298-C-G. GRCh37 (hg19) VCF-style: chr1-207956643-C-G.
Other names: c.995C>G, p.Pro332Arg (NM_002389.4, NM_172359.3); c.950C>G, p.Pro317Arg (NM_153826.4, NM_172358.3); c.905C>G, p.Pro302Arg (NM_172350.3, NM_172352.3, NM_172353.3); c.908C>G, p.Pro303Arg (NM_172355.3, NM_172356.3); c.863C>G, p.Pro288Arg (NM_172357.3, NM_172361.3); short protein forms P303R, P302R, P317R, P288R, P332R.
Identifiers: ClinVar variation 2826322 (VCV002826322.3), dbSNP rs2526720181, ClinGen allele CA344552629.

ClinVar aggregate classification (germline): Uncertain significance (1 of 4 stars; one submission).

Submission:

Labcorp Genetics (formerly Invitae), Labcorp
Classification: Uncertain significance. Last evaluated: 2023-01-05. Review status: criteria provided, single submitter. Criteria: Invitae Variant Classification Sherloc (09022015). Collection method: clinical testing. Allele origin: germline.
Comment: This sequence change replaces proline, which is neutral and non-polar, with arginine, which is basic and polar, at codon 332 of the CD46 protein (p.Pro332Arg). In summary, the available evidence is currently insufficient to determine the role of this variant in disease. Therefore, it has been classified as a Variant of Uncertain Significance. Algorithms developed to predict the effect of missense changes on protein structure and function output the following: SIFT: "Tolerated"; PolyPhen-2: "Probably Damaging"; Align-GVGD: "Class C0". The arginine amino acid residue is found in multiple mammalian species, which suggests that this missense change does not adversely affect protein function. This variant has not been reported in the literature in individuals affected with CD46-related conditions. This variant is not present in population databases (gnomAD no frequency).